The following is an entry in ClinVar:

ClinVar aggregate classification (germline): Likely benign. Review status: criteria provided, multiple submitters, no conflicts (2 of 4 stars). 3 submissions from 3 submitters: Likely benign (3). Last evaluated 2026-02-03.

Conditions:
Mitochondrial hypertrophic cardiomyopathy with lactic acidosis due to MTO1 deficiency. Also called: Combined oxidative phosphorylation deficiency 10; CARDIOMYOPATHY, INFANTILE HYPERTROPHIC MITOCHONDRIAL, AND LACTIC ACIDOSIS. Identifiers: Orphanet 314637, MedGen C4749921, MONDO:0013865, OMIM 614702.

Allele frequency attached by ClinVar (database versions not stated): TOPMed 0.00001; ExAC 0.00002; gnomAD exomes 0.00002 and 0.00003.
gnomAD v4.1: 66 of 1,613,740 alleles (0.0041%); highest among the groups gnomAD compares: South Asian, 0.0044%; no homozygotes.

Submissions (3):

Labcorp Genetics (formerly Invitae), Labcorp
Classification: Likely benign for Mitochondrial hypertrophic cardiomyopathy with lactic acidosis due to MTO1 deficiency. Last evaluated: 2026-02-03. Review status: criteria provided, single submitter. Criteria: Invitae Variant Classification Sherloc (09022015). Collection method: clinical testing. Allele origin: germline.

Blueprint Genetics
Classification: Likely benign. Last evaluated: 2024-11-01. Review status: criteria provided, single submitter. Criteria: ACMG Guidelines, 2015. Collection method: clinical testing. Allele origin: germline.

GeneDx
Classification: Likely benign. Last evaluated: 2017-10-03. Review status: criteria provided, single submitter. Criteria: GeneDx Variant Classification (06012015). Collection method: clinical testing. Allele origin: germline. Affected: yes.
Comment: This variant is considered likely benign or benign based on one or more of the following criteria: it is a conservative change, it occurs at a poorly conserved position in the protein, it is predicted to be benign by multiple in silico algorithms, and/or has population frequency not consistent with disease.

NM_012123.4(MTO1):c.252C>T (p.Ile84=)

Gene: MTO1 (mitochondrial tRNA translation optimization 1; plus strand). Cytogenetic location: 6q13.
Variant type: single nucleotide variant.
Coding change: c.252C>T on transcript NM_012123.4 (MANE Select); coding-DNA position 252, C replaced by T.
Protein change: p.Ile84=; no amino-acid change (isoleucine 84 retained).
Molecular consequence: synonymous variant.
Genome position (GRCh38, 1-based): chr6:73,466,243, C>T. VCF-style: chr6-73466243-C-T. GRCh37 (hg19) VCF-style: chr6-74175966-C-T.
Other names: c.252C>T, p.Ile84= (NM_001123226.2, NM_133645.3).
Identifiers: ClinVar variation 414888 (VCV000414888.12), dbSNP rs374384468, ClinGen allele CA3889299.